The following is an entry in ClinVar:

ClinVar aggregate classification (germline): Uncertain significance (1 of 4 stars; one submission).

Submission:

GeneDx
Classification: Uncertain significance. Last evaluated: 2023-12-10. Review status: criteria provided, single submitter. Criteria: GeneDx Variant Classification Process June 2021. Collection method: clinical testing. Allele origin: germline. Affected: yes.
Comment: Not observed at significant frequency in large population cohorts (gnomAD); Frameshift variant predicted to result in abnormal protein length as the last 41 amino acids are replaced with 35 different amino acids; Has not been previously published as pathogenic or benign to our knowledge

NM_006372.5(SYNCRIP):c.1564_1568del (p.Gly522fs)

Gene: SYNCRIP (synaptotagmin binding cytoplasmic RNA interacting protein; minus strand). Cytogenetic location: 6q14.3.
Variant type: Deletion.
Coding change: c.1564_1568del on transcript NM_006372.5 (MANE Select); coding-DNA positions 1564 to 1568, 5 bases deleted (GGTTA; older notation c.1564_1568delGGTTA).
Protein change: p.Gly522fs; shifts the reading frame from glycine 522.
Molecular consequence: frameshift variant.
Genome position (GRCh38, 1-based): chr6:85,615,060-85,615,064, TAACC deleted on the plus strand (GGTTA on the coding strand, the reverse complement: SYNCRIP is on the minus strand). VCF-style (leftmost placement, unchanged base first): chr6-85615059-ATAACC-A. GRCh37 (hg19) VCF-style: chr6-86324777-ATAACC-A.
Other names: c.1270_1274del, p.Gly424fs (NM_001159673.2, NM_001410938.1); c.1459_1463del, p.Gly487fs (NM_001159674.2); c.1459_1463delGGTTA, p.Gly487Phefs (NM_001159675.2); c.1564_1568delGGTTA, p.Gly522Phefs (NM_001159676.2); c.1564_1568del, p.Gly522fs (NM_001159677.2); c.1108_1112del, p.Gly370fs (NM_001253771.2); short protein forms G370fs, G424fs, G487fs, G522fs.
Identifiers: ClinVar variation 3253095 (VCV003253095.1), dbSNP rs2537720915.